The following continues an entry in ClinVar:

NM_000077.5(CDKN2A):c.373G>C (p.Asp125His)

Gene: CDKN2A. ClinVar aggregate classification (germline): Conflicting classifications of pathogenicity. Uncertain significance (11); Likely benign (2).

Submissions 10 to 15 of 15:

Myriad Genetics, Inc.
Classification: Uncertain significance for Melanoma-pancreatic cancer syndrome. Last evaluated: 2023-04-20. Review status: criteria provided, single submitter. Criteria: Myriad Autosomal Dominant, Autosomal Recessive and X-Linked Classification Criteria (2023). Collection method: clinical testing. Allele origin: unknown.
Comment: This variant is classified as a variant of uncertain significance as there is insufficient evidence to determine its impact on protein function and/or cancer risk.

St. Jude Molecular Pathology, St. Jude Children's Research Hospital
Classification: Uncertain significance for Melanoma-pancreatic cancer syndrome. Last evaluated: 2021-10-28. Review status: criteria provided, single submitter. Criteria: St. Jude Assertion Criteria 2020. Collection method: clinical testing. Allele origin: germline.
Comment: The CDKN2A c.373G>C (p.Asp125His) missense change has a maximum subpopulation frequency of 0.020% in gnomAD v2.1.1. Six of six in silico tools predict a benign effect of this variant on protein function (BP4), but to our knowledge these predictions have not been confirmed by functional assays. This variant has been reported in two families where at least two affected individuals in each family harbored the variant (PP1; PMID: 32989607), in an individual with a first-degree relative with melanoma (PS4_supporting; PMID: 12072543), as well as in three individuals with presumed sporadic melanoma (PMID: 17218939). In addition, it has been reported in one individual with pancreatic cancer (PMID: 26483394), three individuals with osteosarcoma (PMID: 32191290), two individuals with acute lymphoblastic leukemia (PMID: 26104880), and one individual with colorectal cancer (PMID: 28944238). It has also been reported in a total of three non-cancer control subjects (PMID: 27640074, 29641532). In summary, this variant meets criteria to be classified as of uncertain significance based on the ACMG/AMP criteria applied: PS4_supporting, PP1, BP4.

Sema4
Classification: Uncertain significance for Hereditary cancer-predisposing syndrome. Last evaluated: 2021-08-25. Review status: criteria provided, single submitter. Criteria: Sema4 Curation Guidelines. Collection method: curation. Allele origin: germline.
Comment: The CDKN2A c.373G>C (p.D125H) variant has been reported in heterozygosity in individuals with melanoma, breast cancer, and colorectal cancer (PMID: 10398427, 19320745, 17218939, 16818274, 12072543, 21462282, 25186627, 25780468, 26104880, 2813514, 29758216). This variant was observed in 25/125522 chromosomes in the Non-Finnish European population, with no homozygotes, according to the Genome Aggregation Database (PMID: 32461654). This variant has been reported in ClinVar (Variation ID: 41577). Functional studies have not been performed and in silico predictions of the variant's effect on protein function are inconclusive. The evidence is insufficient to meet ACMG/AMP criteria for classifying the variant as benign or pathogenic. Thus, the clinical significance of this variant is currently uncertain.

Ambry Genetics
Classification: Likely benign for Hereditary cancer-predisposing syndrome. Last evaluated: 2019-11-12. Review status: criteria provided, single submitter. Criteria: Ambry Variant Classification Scheme 2023. Collection method: clinical testing. Allele origin: germline.

Counsyl
Classification: Uncertain significance for Melanoma-pancreatic cancer syndrome. Last evaluated: 2016-08-24. Review status: no assertion criteria provided. Collection method: clinical testing. Allele origin: unknown. Not counted in ClinVar's aggregate classification.

Biesecker Lab/Clinical Genomics Section, National Institutes of Health
Classification: Uncertain significance. Last evaluated: 2012-07-13. Review status: no assertion criteria provided. Collection method: research. Allele origin: germline. Affected: no. Observed: 1 variant allele. Study: ClinSeq. Not counted in ClinVar's aggregate classification.
ClinVar note: Converted during submission from variant of unknown significance to Uncertain significance.

Literature cited by the submitters: PubMed 10398427 (cited by 6 submitters); PubMed 12072543 (cited by 5 submitters); PubMed 17218939 (cited by 6 submitters); PubMed 19320745 (cited by 6 submitters); PubMed 25780468 (cited by 6 submitters); PubMed 26483394 (cited by 4 submitters); PubMed 21462282 (cited by 3 submitters); PubMed 25186627 (cited by 4 submitters); PubMed 16896043 (cited by Women's Health and Genetics/Laboratory Corporation of America, LabCorp); PubMed 18335566 (cited by Women's Health and Genetics/Laboratory Corporation of America, LabCorp and Quest Diagnostics Nichols Institute San Juan Capistrano); PubMed 16234564 (cited by Women's Health and Genetics/Laboratory Corporation of America, LabCorp and Quest Diagnostics Nichols Institute San Juan Capistrano); PubMed 15146471 (cited by Women's Health and Genetics/Laboratory Corporation of America, LabCorp); PubMed 26104880 (cited by 4 submitters); PubMed 28135145 (cited by Women's Health and Genetics/Laboratory Corporation of America, LabCorp and Quest Diagnostics Nichols Institute San Juan Capistrano); PubMed 27756164 (cited by Women's Health and Genetics/Laboratory Corporation of America, LabCorp); PubMed 27960642 (cited by Women's Health and Genetics/Laboratory Corporation of America, LabCorp); PubMed 28765326 (cited by Women's Health and Genetics/Laboratory Corporation of America, LabCorp); PubMed 9166859 (cited by Women's Health and Genetics/Laboratory Corporation of America, LabCorp); PubMed 16818274 (cited by Women's Health and Genetics/Laboratory Corporation of America, LabCorp and Sema4); PubMed 18519632 (cited by Women's Health and Genetics/Laboratory Corporation of America, LabCorp); PubMed 7718873 (cited by Women's Health and Genetics/Laboratory Corporation of America, LabCorp); PubMed 29758216 (cited by Women's Health and Genetics/Laboratory Corporation of America, LabCorp and Sema4); PubMed 35001868 (cited by Women's Health and Genetics/Laboratory Corporation of America, LabCorp and Quest Diagnostics Nichols Institute San Juan Capistrano); PubMed 34369425 (cited by 3 submitters); PubMed 32191290 (cited by Quest Diagnostics Nichols Institute San Juan Capistrano); PubMed 29641532 (cited by Quest Diagnostics Nichols Institute San Juan Capistrano); PubMed 28944238 (cited by Quest Diagnostics Nichols Institute San Juan Capistrano); PubMed 34326862 (cited by Quest Diagnostics Nichols Institute San Juan Capistrano); PubMed 21325014 (cited by Quest Diagnostics Nichols Institute San Juan Capistrano); PubMed 2813514 (cited by Sema4).